The following is an entry in ClinVar:

NM_004168.4(SDHA):c.848C>T (p.Ala283Val)

Gene: SDHA (succinate dehydrogenase complex flavoprotein subunit A; plus strand). Cytogenetic location: 5p15.33.
Variant type: single nucleotide variant.
Coding change: c.848C>T on transcript NM_004168.4 (MANE Select); coding-DNA position 848, C replaced by T.
Protein change: p.Ala283Val; replaces alanine 283 with valine.
Molecular consequence: missense variant.
Genome position (GRCh38, 1-based): chr5:230,953, C>T. VCF-style: chr5-230953-C-T. GRCh37 (hg19) VCF-style: chr5-231068-C-T.
Other names: c.704C>T, p.Ala235Val (NM_001294332.2); c.848C>T, p.Ala283Val (NM_001330758.2); short protein forms A235V, A283V.
Identifiers: ClinVar variation 2001860 (VCV002001860.4), dbSNP rs2126568488, ClinGen allele CA359011839.
Genomic context (GRCh38, chr5:230,953, plus strand): 5'-ACTTCAGCTGCACGTCTGCCCACACCAGCACTGGCGACGGCACGGCCATGATCACCAGGG[C>T]AGGCCTTCCTTGCCAGGACCTAGAGTTTGTTCAGTTCCACCCTACAGGTAGGGCAGGACG-3'
Protein context (NP_004159.2, residues 273-293): TGDGTAMITR[Ala283Val]GLPCQDLEFV

ClinVar aggregate classification (germline): Uncertain significance (1 of 4 stars; one submission).

Conditions:
Pheochromocytoma/paraganglioma syndrome 5. Also called: Paragangliomas 5; SDHA-Related Hereditary Paraganglioma-Pheochromocytoma Syndrome. Identifiers: Orphanet 29072, MedGen C3279992, MONDO:0013602, OMIM 614165.
Mitochondrial complex II deficiency, nuclear type 1. Also called: SUCCINATE CoQ REDUCTASE DEFICIENCY. Identifiers: Orphanet 3208, MedGen C5700310, MONDO:0100294, OMIM 252011.

Submission:

Labcorp Genetics (formerly Invitae), Labcorp
Classification: Uncertain significance for Pheochromocytoma/paraganglioma syndrome 5; Mitochondrial complex II deficiency, nuclear type 1. Last evaluated: 2022-06-01. Review status: criteria provided, single submitter. Criteria: Invitae Variant Classification Sherloc (09022015). Collection method: clinical testing. Allele origin: germline.
Comment: In summary, the available evidence is currently insufficient to determine the role of this variant in disease. Therefore, it has been classified as a Variant of Uncertain Significance. Algorithms developed to predict the effect of sequence changes on RNA splicing suggest that this variant may disrupt the consensus splice site. Advanced modeling of protein sequence and biophysical properties (such as structural, functional, and spatial information, amino acid conservation, physicochemical variation, residue mobility, and thermodynamic stability) performed at Invitae indicates that this missense variant is not expected to disrupt SDHA protein function. This variant has not been reported in the literature in individuals affected with SDHA-related conditions. This variant is not present in population databases (gnomAD no frequency). This sequence change replaces alanine, which is neutral and non-polar, with valine, which is neutral and non-polar, at codon 283 of the SDHA protein (p.Ala283Val).